The following is an entry in ClinVar:

NM_001244008.2(KIF1A):c.2215G>A (p.Ala739Thr)

Gene: KIF1A (kinesin family member 1A; minus strand). Cytogenetic location: 2q37.3.
Variant type: single nucleotide variant.
Coding change: c.2215G>A on transcript NM_001244008.2 (MANE Select); coding-DNA position 2215, G replaced by A.
Protein change: p.Ala739Thr; replaces alanine 739 with threonine.
Molecular consequence: missense variant.
Genome position (GRCh38, 1-based): chr2:240,761,279, C>T on the plus strand (G>A on the coding strand, the complement: KIF1A is on the minus strand). VCF-style: chr2-240761279-C-T. GRCh37 (hg19) VCF-style: chr2-241700696-C-T.
Other names: c.2215G>A, p.Ala739Thr (NM_001320705.2, NM_001330289.2, NM_001379638.1); c.2290G>A, p.Ala764Thr (NM_001330290.2, NM_001379631.1, NM_001379634.1 and 2 more transcripts); c.2188G>A, p.Ala730Thr (NM_001379632.1, NM_001379633.1, NM_001379636.1 and 10 more transcripts); c.2263G>A, p.Ala755Thr (NM_001379637.1, NM_001379648.1); short protein forms A730T, A739T, A755T, A764T.
Identifiers: ClinVar variation 1002767 (VCV001002767.8), dbSNP rs1373179079, ClinGen allele CA351325418.
Genomic context (GRCh38, chr2:240,761,279, plus strand): 5'-GGCAGCCCACCTTCTTTTTCAGCTCCACGCTGATGGCATTGGCCTCCTTGAGGAAGATGG[C>T]GTTGCCCCACAGCAGGTCCCGCAGAGACGTGAACTGGTACCACTTCCACTTCCGGAAGGC-3'
Protein context (NP_001230937.1, residues 729-749): TSLRDLLWGN[Ala739Thr]IFLKEANAIS

ClinVar aggregate classification (germline): Uncertain significance. Review status: criteria provided, multiple submitters, no conflicts (2 of 4 stars). 2 submissions from 2 submitters: Uncertain significance (2). Last evaluated 2026-03-10.

Conditions:
Neuropathy, hereditary sensory, type 2C. Also called: Hereditary sensory and autonomic neuropathy type IIC; KIF1A-Related HSAN2 (HSAN2C). Identifiers: Orphanet 970, MedGen C3280168, MONDO:0013634, OMIM 614213.
Intellectual disability, autosomal dominant 9 (NESCAVS). Also called: KIF1A-Related Neurodevelopmental Disorder; NESCAV SYNDROME. Identifiers: Orphanet 662367, MedGen C5393830, MONDO:0013656, OMIM 614255.
Hereditary spastic paraplegia 30. Identifiers: Orphanet 101010, MedGen C5235139, MONDO:0012476.

Allele frequency attached by ClinVar (database versions not stated): gnomAD exomes below 0.00001; gnomAD 0.00001; TOPMed 0.00001.
gnomAD v4.1: 3 of 1,613,728 alleles (0.00019%); highest among the groups gnomAD compares: African/African-American, 0.0013%; no homozygotes.

Submissions (2):

Women's Health and Genetics/Laboratory Corporation of America, LabCorp
Classification: Uncertain significance. Last evaluated: 2026-03-10. Review status: criteria provided, single submitter. Criteria: LabCorp Variant Classification Summary - May 2015. Collection method: clinical testing. Allele origin: germline.
Comment: Variant summary: KIF1A c.2188G>A (p.Ala730Thr) results in a non-conservative amino acid change in the encoded protein sequence. Algorithms developed to predict the effect of missense changes on protein structure and function all suggest that this variant is likely to be disruptive. The variant allele was found at a frequency of 4e-06 in 249088 control chromosomes. The available data on variant occurrences in the general population are insufficient to allow any conclusion about variant significance. To our knowledge, no occurrence of c.2188G>A in individuals affected with KIF1A-related conditions and no experimental evidence demonstrating its impact on protein function have been reported. ClinVar contains an entry for this variant (Variation ID: 1002767). Based on the evidence outlined above, the variant was classified as uncertain significance.

Labcorp Genetics (formerly Invitae), Labcorp
Classification: Uncertain significance for Hereditary spastic paraplegia 30; Neuropathy, hereditary sensory, type 2C; Intellectual disability, autosomal dominant 9. Last evaluated: 2021-10-04. Review status: criteria provided, single submitter. Criteria: Invitae Variant Classification Sherloc (09022015). Collection method: clinical testing. Allele origin: germline.
Comment: In summary, the available evidence is currently insufficient to determine the role of this variant in disease. Therefore, it has been classified as a Variant of Uncertain Significance. Algorithms developed to predict the effect of missense changes on protein structure and function are either unavailable or do not agree on the potential impact of this missense change (SIFT: "Deleterious"; PolyPhen-2: "Possibly Damaging"; Align-GVGD: "Class C0"). This variant has not been reported in the literature in individuals affected with KIF1A-related conditions. This variant is not present in population databases (ExAC no frequency). This sequence change replaces alanine with threonine at codon 730 of the KIF1A protein (p.Ala730Thr). The alanine residue is highly conserved and there is a small physicochemical difference between alanine and threonine.